The following is an entry in ClinVar:

ClinVar aggregate classification (germline): Benign/Likely benign. Review status: criteria provided, multiple submitters, no conflicts (2 of 4 stars). 4 submissions from 4 submitters: Benign (1); Likely benign (3). Last evaluated 2026-09-08.

Conditions:
Fabry disease. Also called: Fabry's disease; ALPHA-GALACTOSIDASE A DEFICIENCY; ANDERSON-FABRY DISEASE; CERAMIDE TRIHEXOSIDASE DEFICIENCY; GLA DEFICIENCY; HEREDITARY DYSTOPIC LIPIDOSIS. Identifiers: Orphanet 324, MedGen C0002986, MONDO:0010526, OMIM 301500, HP:0001071. Disease mechanism: Fabry disease is due to inactivating mutations in the X-linked GLA gene resulting in deficiency of the enzyme Alpha Galactosidase-A., loss of function.
GLA-related disorder. Also called: GLA-related condition.

Submissions (4):

Genomenon, Inc
Classification: Likely benign for Fabry disease. Last evaluated: 2026-09-08. Review status: criteria provided, single submitter. Criteria: Genomenon Sequence Variant Interpretation Standards - Updated. Collection method: curation. Allele origin: germline. Affected: no.
Comment: GLA c.639+10_639+13del is a deletion variant located in intron 4. This variant has been reported in the published literature (PMID:28615118). This variant is not predicted to impact splicing. This variant's allele frequency in gnomAD is greater than expected for this disorder. In conclusion, we classify GLA c.639+10_639+13del as a likely benign variant.

PreventionGenetics, part of Exact Sciences
Classification: Likely benign for GLA-related condition. Last evaluated: 2026-07-16. Review status: criteria provided, single submitter. Criteria: ACMG Guidelines, 2015. Collection method: clinical testing. Allele origin: germline.
Comment: This variant is classified as likely benign based on ACMG/AMP sequence variant interpretation guidelines (Richards et al. 2015 PMID: 25741868, with internal and published modifications).

Labcorp Genetics (formerly Invitae), Labcorp
Classification: Benign for Fabry disease. Last evaluated: 2025-09-27. Review status: criteria provided, single submitter. Criteria: Invitae Variant Classification Sherloc (09022015). Collection method: clinical testing. Allele origin: germline.

Blueprint Genetics
Classification: Likely benign. Last evaluated: 2024-08-08. Review status: criteria provided, single submitter. Criteria: ACMG Guidelines, 2015. Collection method: clinical testing. Allele origin: germline.

Literature cited by the submitters: PubMed 28615118 (cited by Genomenon, Inc).

NM_000169.3(GLA):c.639+10_639+13del

Genes: GLA (galactosidase alpha; minus strand), RPL36A-HNRNPH2 (RPL36A-HNRNPH2 readthrough; plus strand). Cytogenetic location: Xq22.1.
Variant type: Deletion.
Coding change: c.639+10_639+13del on transcript NM_000169.3 (MANE Select); bases 10 to 13 of the intron after coding-DNA position 639, 4 bases deleted (TGAG; older notation c.639+10_639+13delTGAG).
Molecular consequence: intron variant.
Genome position (GRCh38, 1-based): chrX:101,400,653-101,400,656, CTCA deleted on the plus strand (TGAG on the coding strand, the reverse complement: GLA is on the minus strand); deleting any 4 consecutive bases within chrX:101,400,653-101,400,658 gives the same sequence; the c. name uses the placement nearest the transcript's 3' end. VCF-style (leftmost placement, unchanged base first): chrX-101400652-GCTCA-G. GRCh37 (hg19) VCF-style: chrX-100655640-GCTCA-G.
Other names: c.762+10_762+13del (NM_001406747.1); c.639+10_639+13del (NM_001406748.1); c.300+5198_300+5201del (NM_001199973.2); c.177+8833_177+8836del (NM_001199974.2); c.639+10_639+13delTGAG (NM_000169.2).
Identifiers: ClinVar variation 696236 (VCV000696236.14), dbSNP rs782473708, ClinGen allele CA031590.
Genomic context (GRCh38, chrX:101,400,652, plus strand): 5'-AGACCTTGGTTTCCTTTGTTGTCAAGTTCTATCTATCAGTACAGTTCTATTGGATTCTGG[GCTCA>G]CTATCTCACCTTTTGAAAGGGCCACATATAAAGAGGCCACTCACAGGAGTACACAATGCT-3'